The following is an entry in ClinVar:

NM_004260.4(RECQL4):c.3182C>T (p.Ala1061Val)

Gene: RECQL4 (RecQ like helicase 4; minus strand). Cytogenetic location: 8q24.3.
Variant type: single nucleotide variant.
Coding change: c.3182C>T on transcript NM_004260.4 (MANE Select); coding-DNA position 3182, C replaced by T.
Protein change: p.Ala1061Val; replaces alanine 1061 with valine.
Molecular consequence: missense variant.
Genome position (GRCh38, 1-based): chr8:144,512,198, G>A on the plus strand (C>T on the coding strand, the complement: RECQL4 is on the minus strand). VCF-style: chr8-144512198-G-A. GRCh37 (hg19) VCF-style: chr8-145737581-G-A.
Other names: short protein forms A1061V.
Identifiers: ClinVar variation 1375857 (VCV001375857.4), dbSNP rs1827365759, ClinGen allele CA372670000.

ClinVar aggregate classification (germline): Uncertain significance (1 of 4 stars; one submission).

Conditions:
Baller-Gerold syndrome (BGS). Also called: CRANIOSYNOSTOSIS WITH RADIAL DEFECTS. Identifiers: Orphanet 1225, MedGen C0265308, MONDO:0009039, OMIM 218600.

Allele frequency attached by ClinVar (database versions not stated): gnomAD exomes 0.00002.
gnomAD v4.1: 16 of 1,612,230 alleles (0.00099%); highest among the groups gnomAD compares: Non-Finnish European, 0.0014%; no homozygotes.

Submission:

Labcorp Genetics (formerly Invitae), Labcorp
Classification: Uncertain significance for Baller-Gerold syndrome. Last evaluated: 2023-03-07. Review status: criteria provided, single submitter. Criteria: Invitae Variant Classification Sherloc (09022015). Collection method: clinical testing. Allele origin: germline.
Comment: In summary, the available evidence is currently insufficient to determine the role of this variant in disease. Therefore, it has been classified as a Variant of Uncertain Significance. Algorithms developed to predict the effect of sequence changes on RNA splicing suggest that this variant may create or strengthen a splice site. Advanced modeling of protein sequence and biophysical properties (such as structural, functional, and spatial information, amino acid conservation, physicochemical variation, residue mobility, and thermodynamic stability) performed at Invitae indicates that this missense variant is expected to disrupt RECQL4 protein function. ClinVar contains an entry for this variant (Variation ID: 1375857). This variant has not been reported in the literature in individuals affected with RECQL4-related conditions. This variant is not present in population databases (gnomAD no frequency). This sequence change replaces alanine, which is neutral and non-polar, with valine, which is neutral and non-polar, at codon 1061 of the RECQL4 protein (p.Ala1061Val).